The following is an entry in ClinVar:

NM_004519.4(KCNQ3):c.2301G>C (p.Gln767His)

Gene: KCNQ3 (potassium voltage-gated channel subfamily Q member 3; minus strand). Cytogenetic location: 8q24.22.
Variant type: single nucleotide variant.
Coding change: c.2301G>C on transcript NM_004519.4 (MANE Select); coding-DNA position 2301, G replaced by C.
Protein change: p.Gln767His; replaces glutamine 767 with histidine.
Molecular consequence: missense variant.
Genome position (GRCh38, 1-based): chr8:132,129,580, C>G on the plus strand (G>C on the coding strand, the complement: KCNQ3 is on the minus strand). VCF-style: chr8-132129580-C-G. GRCh37 (hg19) VCF-style: chr8-133141827-C-G.
Other names: c.1941G>C, p.Gln647His (NM_001204824.2); short protein forms Q647H, Q767H.
Identifiers: ClinVar variation 1447864 (VCV001447864.8), dbSNP rs1824789343, ClinGen allele CA372216178.

ClinVar aggregate classification (germline): Uncertain significance (1 of 4 stars; one submission).

Conditions:
Benign neonatal seizures. Also called: Benign familial neonatal epilepsy; Benign neonatal familial convulsions; Convulsions benign familial neonatal dominant form; Autosomal dominant form of benign neonatal seizures; Benign familial neonatal seizures. Identifiers: Orphanet 1949, MedGen C0220669, MONDO:0016027.

Allele frequency attached by ClinVar (database versions not stated): gnomAD exomes below 0.00001; TOPMed 0.00001.
gnomAD v4.1: 3 of 1,614,190 alleles (0.00019%); highest among the groups gnomAD compares: Non-Finnish European, 0.00025%; no homozygotes.

Submission:

Labcorp Genetics (formerly Invitae), Labcorp
Classification: Uncertain significance for Benign neonatal seizures. Last evaluated: 2020-11-23. Review status: criteria provided, single submitter. Criteria: Invitae Variant Classification Sherloc (09022015). Collection method: clinical testing. Allele origin: germline.
Comment: Advanced modeling of protein sequence and biophysical properties (such as structural, functional, and spatial information, amino acid conservation, physicochemical variation, residue mobility, and thermodynamic stability) performed at Invitae indicates that this missense variant is not expected to disrupt KCNQ3 protein function. In summary, the available evidence is currently insufficient to determine the role of this variant in disease. Therefore, it has been classified as a Variant of Uncertain Significance. This sequence change replaces glutamine with histidine at codon 767 of the KCNQ3 protein (p.Gln767His). The glutamine residue is moderately conserved and there is a small physicochemical difference between glutamine and histidine. This variant is not present in population databases (ExAC no frequency). This variant has not been reported in the literature in individuals with KCNQ3-related conditions.